The following is an entry in ClinVar:

Conditions:
Breast-ovarian cancer, familial, susceptibility to, 1 (BROVCA1). Also called: BRCA1 Hereditary Breast and Ovarian Cancer; OVARIAN CANCER, SUSCEPTIBILITY TO. Identifiers: Orphanet 145, MedGen C2676676, MONDO:0011450, OMIM 604370. Disease mechanism: loss of function.

Submission:

Brotman Baty Institute, University of Washington
No classification provided (evidence only). Condition: Breast-ovarian cancer, familial 1. Review status: no classification provided. Collection method: in vitro. Allele origin: not applicable. Functional consequence: functionally_normal.
ClinVar note: "not provided" was previously submitted as the classification for the variant. However, the classification appeared to be based only on an observation of functional data so it was converted to no classification on 2025-07-30.

NM_007294.4(BRCA1):c.5442C>T (p.Ala1814=)

Gene: BRCA1 (BRCA1 DNA repair associated; minus strand). Cytogenetic location: 17q21.31.
Variant type: single nucleotide variant.
Coding change: c.5442C>T on transcript NM_007294.4 (MANE Select); coding-DNA position 5442, C replaced by T.
Protein change: p.Ala1814=; no amino-acid change (alanine 1814 retained).
Molecular consequence: synonymous variant.
Genome position (GRCh38, 1-based): chr17:43,047,668, G>A on the plus strand (C>T on the coding strand, the complement: BRCA1 is on the minus strand). VCF-style: chr17-43047668-G-A. GRCh37 (hg19) VCF-style: chr17-41199685-G-A.
Other names: c.5298C>T, p.Ala1766= (NM_001407738.1, NM_001407739.1, NM_001407740.1 and 18 more transcripts); c.5295C>T, p.Ala1765= (NM_001407838.1, NM_001407839.1, NM_001407841.1 and 12 more transcripts); c.5229C>T, p.Ala1743= (NM_001407571.1, NM_001407894.1, NM_001407895.1 and 12 more transcripts); c.5508C>T, p.Ala1836= (NM_001407581.1, NM_001407582.1); c.5505C>T, p.Ala1835= (NM_001407583.1, NM_001407585.1, NM_001407587.1 and 1 more transcripts); c.5502C>T, p.Ala1834= (NM_001407590.1, NM_001407591.1); c.5442C>T, p.Ala1814= (NM_001407593.1, NM_001407594.1, NM_001407596.1 and 5 more transcripts); c.5368C>T, p.Leu1790= (NM_001407854.1); and 83 more.
Identifiers: ClinVar variation 868495 (VCV000868495.3), dbSNP rs2050983965, ClinGen allele CA500143157.